The following is an entry in ClinVar:

ClinVar aggregate classification (germline): Uncertain significance. Review status: criteria provided, multiple submitters, no conflicts (2 of 4 stars). 5 submissions from 5 submitters: Uncertain significance (5). Last evaluated 2024-11-01.

Conditions:
Inborn genetic diseases. Identifiers: MedGen C0950123, MeSH D030342.
Eichsfeld type congenital muscular dystrophy (CMYO3). Also called: Rigid spine muscular dystrophy 1; MYOPATHY, SEPN1-RELATED; SELENON-related myopathy; Congenital myopathy 3 with rigid spine. Identifiers: MedGen C0410180, MONDO:0100100, OMIM 602771.
SEPN1-related disorder. Also called: SEPN1-Related Disorders. Identifiers: MedGen CN239420.

Allele frequency attached by ClinVar (database versions not stated): gnomAD 0.00001; ExAC 0.00002; gnomAD exomes 0.00002 and 0.00003; TOPMed 0.00002.

Submissions (5):

Blueprint Genetics
Classification: Uncertain significance. Last evaluated: 2024-11-01. Review status: criteria provided, single submitter. Criteria: ACMG Guidelines, 2015. Collection method: clinical testing. Allele origin: germline.

Ambry Genetics
Classification: Uncertain significance for Inborn genetic diseases. Last evaluated: 2024-07-16. Review status: criteria provided, single submitter. Criteria: Ambry Variant Classification Scheme 2023. Collection method: clinical testing. Allele origin: germline.

Revvity Omics, Revvity
Classification: Uncertain significance for Eichsfeld type congenital muscular dystrophy. Last evaluated: 2023-03-01. Review status: criteria provided, single submitter. Criteria: ACMG Guidelines, 2015. Collection method: clinical testing. Allele origin: germline.

Labcorp Genetics (formerly Invitae), Labcorp
Classification: Uncertain significance for Eichsfeld type congenital muscular dystrophy. Last evaluated: 2022-07-11. Review status: criteria provided, single submitter. Criteria: Invitae Variant Classification Sherloc (09022015). Collection method: clinical testing. Allele origin: germline.
Comment: This sequence change replaces glutamic acid, which is acidic and polar, with lysine, which is basic and polar, at codon 144 of the SELENON protein (p.Glu144Lys). This variant is present in population databases (rs761068133, gnomAD 0.004%). In summary, the available evidence is currently insufficient to determine the role of this variant in disease. Therefore, it has been classified as a Variant of Uncertain Significance. Algorithms developed to predict the effect of missense changes on protein structure and function (SIFT, PolyPhen-2, Align-GVGD) all suggest that this variant is likely to be disruptive. ClinVar contains an entry for this variant (Variation ID: 530816). This variant has not been reported in the literature in individuals affected with SELENON-related conditions.

Illumina Laboratory Services, Illumina
Classification: Uncertain significance for SEPN1-Related Disorders. Last evaluated: 2018-01-12. Review status: criteria provided, single submitter. Criteria: ICSL Variant Classification Criteria 13 December 2019. Collection method: clinical testing. Allele origin: germline.

NM_206926.2(SELENON):c.328G>A (p.Glu110Lys)

Gene: SELENON (selenoprotein N; plus strand). Cytogenetic location: 1p36.11.
Variant type: single nucleotide variant.
Coding change: c.328G>A on transcript NM_206926.2 (MANE Select); coding-DNA position 328, G replaced by A.
Protein change: p.Glu110Lys; replaces glutamic acid 110 with lysine.
Molecular consequence: missense variant.
Genome position (GRCh38, 1-based): chr1:25,805,168, G>A. VCF-style: chr1-25805168-G-A. GRCh37 (hg19) VCF-style: chr1-26131659-G-A.
Other names: c.430G>A, p.Glu144Lys (NM_020451.3); short protein forms E144K, E110K.
Identifiers: ClinVar variation 530816 (VCV000530816.14), dbSNP rs761068133, ClinGen allele CA696498.